The following is an entry in ClinVar:

ClinVar aggregate classification (germline): Uncertain significance (1 of 4 stars; one submission).

Allele frequency attached by ClinVar (database versions not stated): gnomAD exomes below 0.00001 and 0.00001; TOPMed below 0.00001; ExAC 0.00002.
gnomAD v4.1: 2 of 1,578,736 alleles (0.00013%); highest among the groups gnomAD compares: Admixed American, 0.0033%; no homozygotes.

Submission:

Labcorp Genetics (formerly Invitae), Labcorp
Classification: Uncertain significance. Last evaluated: 2022-04-11. Review status: criteria provided, single submitter. Criteria: Invitae Variant Classification Sherloc (09022015). Collection method: clinical testing. Allele origin: germline.
Comment: This sequence change replaces leucine, which is neutral and non-polar, with phenylalanine, which is neutral and non-polar, at codon 366 of the EYS protein (p.Leu366Phe). This variant is present in population databases (rs770566051, gnomAD 0.006%). This variant has not been reported in the literature in individuals affected with EYS-related conditions. Algorithms developed to predict the effect of missense changes on protein structure and function output the following: SIFT: "Tolerated"; PolyPhen-2: "Benign"; Align-GVGD: "Class C0". The phenylalanine amino acid residue is found in multiple mammalian species, which suggests that this missense change does not adversely affect protein function. In summary, the available evidence is currently insufficient to determine the role of this variant in disease. Therefore, it has been classified as a Variant of Uncertain Significance.

NM_001142800.2(EYS):c.1096C>T (p.Leu366Phe)

Gene: EYS (eyes shut homolog; minus strand). Cytogenetic location: 6q12.
Variant type: single nucleotide variant.
Coding change: c.1096C>T on transcript NM_001142800.2 (MANE Select); coding-DNA position 1096, C replaced by T.
Protein change: p.Leu366Phe; replaces leucine 366 with phenylalanine.
Molecular consequence: missense variant.
Genome position (GRCh38, 1-based): chr6:65,402,566, G>A on the plus strand (C>T on the coding strand, the complement: EYS is on the minus strand). VCF-style: chr6-65402566-G-A. GRCh37 (hg19) VCF-style: chr6-66112459-G-A.
Other names: c.1096C>T, p.Leu366Phe (NM_001142801.2, NM_001292009.2, NM_198283.2); short protein forms L366F.
Identifiers: ClinVar variation 1437717 (VCV001437717.4), dbSNP rs770566051, ClinGen allele CA3877867.
Genomic context (GRCh38, chr6:65,402,566, plus strand): 5'-TACATGTAGCATTATTCCTCAAAGGAAATGACTCACATGATGTTTGAATGCTCTTACAAA[G>A]CAAATCTGTAAATATTGGTGAACAGATGCACATAACATCCTAGGAAAGATTAAAAAAATA-3'
Protein context (NP_001136272.1, residues 356-376): CICSPIFTDL[Leu366Phe]CKSIQTSCES